The following is an entry in ClinVar:

ClinVar aggregate classification (germline): Pathogenic (1 of 4 stars; one submission).

Submission:

Labcorp Genetics (formerly Invitae), Labcorp
Classification: Pathogenic. Last evaluated: 2024-01-10. Review status: criteria provided, single submitter. Criteria: Invitae Variant Classification Sherloc (09022015). Collection method: clinical testing. Allele origin: germline.
Comment: This sequence change creates a premature translational stop signal (p.Glu425Leufs*65) in the MBD4 gene. It is expected to result in an absent or disrupted protein product. Loss-of-function variants in MBD4 are known to be pathogenic (PMID: 30049810, 35460607). This variant is not present in population databases (gnomAD no frequency). This variant has not been reported in the literature in individuals affected with MBD4-related conditions. For these reasons, this variant has been classified as Pathogenic.

Literature cited by the submitters: PubMed 30049810; PubMed 35460607.

NM_001276270.2(MBD4):c.1254_1257del (p.Glu419fs)

Gene: MBD4 (methyl-CpG binding domain 4, DNA glycosylase; minus strand). Cytogenetic location: 3q21.3.
Variant type: Deletion.
Coding change: c.1254_1257del on transcript NM_001276270.2 (MANE Select); coding-DNA positions 1254 to 1257, 4 bases deleted (AGAA; older notation c.1254_1257delAGAA).
Protein change: p.Glu419fs; shifts the reading frame from glutamic acid 419.
Molecular consequence: frameshift variant.
Genome position (GRCh38, 1-based): chr3:129,434,063-129,434,066, TTCT deleted on the plus strand (AGAA on the coding strand, the reverse complement: MBD4 is on the minus strand); deleting any 4 consecutive bases within chr3:129,434,063-129,434,068 gives the same sequence; the c. name uses the placement nearest the transcript's 3' end. VCF-style (leftmost placement, unchanged base first): chr3-129434062-CTTCT-C. GRCh37 (hg19) VCF-style: chr3-129152905-CTTCT-C.
Other names: c.1272_1275del, p.Glu425fs (NM_001276271.2, NM_001276272.2, NM_003925.3); c.318_321del, p.Glu107fs (NM_001276273.2); short protein forms E425fs, E107fs, E419fs.
Identifiers: ClinVar variation 2708635 (VCV002708635.3), dbSNP rs2530705988, ClinGen allele CA2697556815.